The following is an entry in ClinVar:

ClinVar aggregate classification (germline): Likely pathogenic (1 of 4 stars; one submission).

Conditions:
Hereditary cancer-predisposing syndrome. Also called: Neoplastic Syndromes, Hereditary; Tumor predisposition; Hereditary neoplastic syndrome; Hereditary Cancer Syndrome. Identifiers: Orphanet 140162, MedGen C0027672, MeSH D009386, MONDO:0015356.

Submission:

Ambry Genetics
Classification: Likely pathogenic for Hereditary cancer-predisposing syndrome. Last evaluated: 2023-10-13. Review status: criteria provided, single submitter. Criteria: Ambry Variant Classification Scheme 2023. Collection method: clinical testing. Allele origin: germline.
Comment: The c.1944-1G>C intronic variant results from a G to C substitution one nucleotide upstream from coding exon 12 of the SMARCA4 gene. Alterations that disrupt the canonical splice site are expected to cause aberrant splicing, resulting in an abnormal protein or a transcript that is subject to nonsense-mediated mRNA decay. This nucleotide position is highly conserved in available vertebrate species. In silico splice site analysis predicts that this alteration will weaken the native splice acceptor site; however, direct evidence is insufficient at this time (Ambry internal data). Loss-of-function variants in SMARCA4 are known to cause rhabdoid tumor predisposition syndrome including small cell carcinoma of the ovary-hypercalcemic type (SCCOHT); however, such associations with neurodevelopmental disorders are exceedingly rare (Kosho T et al. Am J Med Genet C Semin Med Genet. 2014 Sep;166C(3):262-75; Jelinic P et al. Nat Genet. 2014 May;46(5):424-6). Based on the supporting evidence, this alteration is likely pathogenic for rhabdoid tumor predisposition syndrome; however, the association of this alteration with Coffin-Siris syndrome is unknown.

NM_003072.5(SMARCA4):c.1944-1G>C

Gene: SMARCA4 (SWI/SNF related BAF chromatin remodeling complex subunit ATPase 4; plus strand). Cytogenetic location: 19p13.2.
Variant type: single nucleotide variant.
Coding change: c.1944-1G>C on transcript NM_003072.5 (MANE Select); the canonical splice acceptor site of the intron before coding-DNA position 1944, G replaced by C.
Molecular consequence: splice acceptor variant.
Genome position (GRCh38, 1-based): chr19:11,003,339, G>C. VCF-style: chr19-11003339-G-C. GRCh37 (hg19) VCF-style: chr19-11114015-G-C.
Other names: c.1944-1G>C (NM_001128844.3, NM_001128849.3, NM_001128847.4 and 6 more transcripts).
Identifiers: ClinVar variation 3233082 (VCV003233082.1), dbSNP rs2146107905, ClinGen allele CA404052004.